The following is an entry in ClinVar:

NM_000257.4(MYH7):c.4757C>G (p.Ala1586Gly)

Genes: MHRT (myosin heavy chain associated RNA transcript; plus strand), MYH7 (myosin heavy chain 7; minus strand), LOC126861897 (BRD4-independent group 4 enhancer GRCh37_chr14:23884455-23885654; plus strand). Cytogenetic location: 14q11.2.
Variant type: single nucleotide variant.
Coding change: c.4757C>G on transcript NM_000257.4 (MANE Select); coding-DNA position 4757, C replaced by G.
Protein change: p.Ala1586Gly; replaces alanine 1586 with glycine.
Molecular consequence: missense variant. On other transcripts: non-coding transcript variant (1).
Genome position (GRCh38, 1-based): chr14:23,416,200, G>C on the plus strand (C>G on the coding strand, the complement: MYH7 is on the minus strand). VCF-style: chr14-23416200-G-C. GRCh37 (hg19) VCF-style: chr14-23885409-G-C.
Other names: short protein forms A1586G.
Identifiers: ClinVar variation 928109 (VCV000928109.5), dbSNP rs1892201286, ClinGen allele CA389037693.

ClinVar aggregate classification (germline): Uncertain significance (1 of 4 stars; one submission).

Conditions:
Cardiomyopathy (CMYO). Also called: Cardiomyopathies. Identifiers: Orphanet 167848, MedGen C0878544, MONDO:0004994, HP:0001638. Inheritance: Various modes of inheritance.

Submission:

Color Diagnostics, LLC DBA Color Health
Classification: Uncertain significance for Cardiomyopathy. Last evaluated: 2024-03-06. Review status: criteria provided, single submitter. Criteria: ACMG Guidelines, 2015. Collection method: clinical testing. Allele origin: germline.
Comment: This missense variant replaces alanine with glycine at codon 1586 of the MYH7 protein. Computational prediction suggests that this variant may not impact protein structure and function (internally defined REVEL score threshold <= 0.5, PMID: 27666373). To our knowledge, functional studies have not been reported for this variant. This variant has not been reported in individuals affected with MYH7-related disorders in the literature. This variant has not been identified in the general population by the Genome Aggregation Database (gnomAD). The available evidence is insufficient to determine the role of this variant in disease conclusively. Therefore, this variant is classified as a Variant of Uncertain Significance.